The following is an entry in ClinVar:

NM_001282116.2(RFX3):c.855C>G (p.Tyr285Ter)

Gene: RFX3 (regulatory factor X3; minus strand). Cytogenetic location: 9p24.2.
Variant type: single nucleotide variant.
Coding change: c.855C>G on transcript NM_001282116.2 (MANE Select); coding-DNA position 855, C replaced by G.
Protein change: p.Tyr285Ter; replaces tyrosine 285 with a stop codon.
Molecular consequence: nonsense.
Genome position (GRCh38, 1-based): chr9:3,277,458, G>C on the plus strand (C>G on the coding strand, the complement: RFX3 is on the minus strand). VCF-style: chr9-3277458-G-C. GRCh37 (hg19) VCF-style: chr9-3277458-G-C.
Other names: c.855C>G, p.Tyr285Ter (NM_001282117.2, NM_001377999.1, NM_002919.4 and 1 more transcripts); short protein forms Y285*.
Identifiers: ClinVar variation 2630540 (VCV002630540.1), dbSNP rs2489684511, ClinGen allele CA372839120.

ClinVar aggregate classification (germline): Likely pathogenic (1 of 4 stars; one submission).

Conditions:
RFX3-related disorder. Also called: RFX3-related condition.

Submission:

PreventionGenetics, part of Exact Sciences
Classification: Likely pathogenic for RFX3-related condition. Last evaluated: 2023-02-23. Review status: criteria provided, single submitter. Criteria: ACMG Guidelines, 2015. Collection method: clinical testing. Allele origin: germline.
Comment: The RFX3 c.855C>G variant is predicted to result in premature protein termination (p.Tyr285*). To our knowledge, this variant has not been reported in the literature or in a large population database, indicating this variant is rare. Nonsense variants in RFX3 are expected to be pathogenic. This variant is interpreted as likely pathogenic.